The following is an entry in ClinVar:

ClinVar aggregate classification (germline): Uncertain significance (1 of 4 stars; one submission).

Conditions:
Spastic paraplegia. Identifiers: MedGen C0037772, HP:0001258.

Submission:

Labcorp Genetics (formerly Invitae), Labcorp
Classification: Uncertain significance for Spastic paraplegia. Last evaluated: 2020-03-28. Review status: criteria provided, single submitter. Criteria: Invitae Variant Classification Sherloc (09022015). Collection method: clinical testing. Allele origin: germline.
Comment: This sequence change creates a premature translational stop signal (p.Ser83*) in the HSPD1 gene. It is expected to result in an absent or disrupted protein product. This variant is not present in population databases (ExAC no frequency). This variant has not been reported in the literature in individuals with HSPD1-related conditions. The current clinical and genetic evidence is not sufficient to establish whether loss-of-function variants in HSPD1 cause disease. In summary, the available evidence is currently insufficient to determine the role of this variant in disease. Therefore, it has been classified as a Variant of Uncertain Significance.

NM_002156.5(HSPD1):c.248C>A (p.Ser83Ter)

Gene: HSPD1 (heat shock protein family D (Hsp60) member 1; minus strand). Cytogenetic location: 2q33.1.
Variant type: single nucleotide variant.
Coding change: c.248C>A on transcript NM_002156.5 (MANE Select); coding-DNA position 248, C replaced by A.
Protein change: p.Ser83Ter; replaces serine 83 with a stop codon.
Molecular consequence: nonsense.
Genome position (GRCh38, 1-based): chr2:197,497,319, G>T on the plus strand (C>A on the coding strand, the complement: HSPD1 is on the minus strand). VCF-style: chr2-197497319-G-T. GRCh37 (hg19) VCF-style: chr2-198362043-G-T.
Other names: c.248C>A, p.Ser83Ter (NM_199440.2); short protein forms S83*.
Identifiers: ClinVar variation 1038031 (VCV001038031.6), dbSNP rs2086171680, ClinGen allele CA350203857.